The following is an entry in ClinVar:

ClinVar aggregate classification (germline): Conflicting classifications of pathogenicity. Review status: criteria provided, conflicting classifications (1 of 4 stars). 6 submissions from 6 submitters: Uncertain significance (5); Likely benign (1). Last evaluated 2025-01-06.

Conditions:
BRCA1-related cancer predisposition. Identifiers: MedGen CN377757, MONDO:0700268.
Hereditary breast ovarian cancer syndrome. Also called: Hereditary breast and ovarian cancer syndrome; Hereditary breast and ovarian cancer; Hereditary breast and ovarian cancer syndrome (HBOC); Breast and ovarian cancer; Hereditary breast and/or ovarian cancer syndrome; BRCA1- and BRCA2-Associated Hereditary Breast and Ovarian Cancer. Identifiers: Orphanet 145, MedGen C0677776, MeSH D061325, MONDO:0003582. Disease mechanism: loss of function.
Hereditary cancer-predisposing syndrome. Also called: Neoplastic Syndromes, Hereditary; Tumor predisposition; Hereditary neoplastic syndrome; Hereditary Cancer Syndrome. Identifiers: Orphanet 140162, MedGen C0027672, MeSH D009386, MONDO:0015356.

Allele frequency attached by ClinVar (database versions not stated): gnomAD exomes below 0.00001; ExAC 0.00001.
gnomAD v4.1: 1 of 1,614,014 alleles (0.000062%); highest among the groups gnomAD compares: South Asian, 0.0011%; no homozygotes.

Submissions (6):

Labcorp Genetics (formerly Invitae), Labcorp
Classification: Uncertain significance for Hereditary breast ovarian cancer syndrome. Last evaluated: 2025-01-06. Review status: criteria provided, single submitter. Criteria: Invitae Variant Classification Sherloc (09022015). Collection method: clinical testing. Allele origin: germline.
Comment: This sequence change replaces proline, which is neutral and non-polar, with leucine, which is neutral and non-polar, at codon 706 of the BRCA1 protein (p.Pro706Leu). This variant is present in population databases (rs759655692, gnomAD 0.003%). This missense change has been observed in individual(s) with breast cancer (PMID: 33476590). ClinVar contains an entry for this variant (Variation ID: 628627). Invitae Evidence Modeling of protein sequence and biophysical properties (such as structural, functional, and spatial information, amino acid conservation, physicochemical variation, residue mobility, and thermodynamic stability) indicates that this missense variant is not expected to disrupt BRCA1 protein function with a negative predictive value of 80%. Experimental studies have shown that this missense change affects BRCA1 function (PMID: 33476590). In summary, the available evidence is currently insufficient to determine the role of this variant in disease. Therefore, it has been classified as a Variant of Uncertain Significance.

All of Us Research Program, National Institutes of Health
Classification: Uncertain significance for BRCA1-related cancer predisposition. Last evaluated: 2024-08-13. Review status: criteria provided, single submitter. Criteria: ACMG Guidelines, 2015. Collection method: clinical testing. Allele origin: germline. Inheritance: Autosomal dominant inheritance. Observed: 1 variant allele, 1 heterozygote.
Comment: This missense variant replaces proline with leucine at codon 706 of the BRCA1 protein. Computational prediction suggests that this variant may not impact protein structure and function. A functional study reported that this variant enhanced sensitivity to mitomycin C, but it had no impact on PARP inhibitor sensitivity when transiently expressed in cell culture (PMID: 33476590). This variant has been detected in two of three members of a family affected with breast cancer (PMID: 33476590). This variant has been identified in 1/251190 chromosomes in the general population by the Genome Aggregation Database (gnomAD). The available evidence is insufficient to determine the role of this variant in disease conclusively. Therefore, this variant is classified as a Variant of Uncertain Significance.

This study involves interpretation of variants in research participants for the purpose of population health screening. Participant phenotype was not available at the time of variant classification. Additional details can be found in publication PMID: 35346344, PMCID: PMC8962531

Color Diagnostics, LLC DBA Color Health
Classification: Uncertain significance for Hereditary cancer-predisposing syndrome. Last evaluated: 2024-07-24. Review status: criteria provided, single submitter. Criteria: ACMG Guidelines, 2015. Collection method: clinical testing. Allele origin: germline.
Comment: This missense variant replaces proline with leucine at codon 706 of the BRCA1 protein. Computational prediction suggests that this variant may not impact protein structure and function. A functional study reported that this variant enhanced sensitivity to mitomycin C, but it had no impact on PARP inhibitor sensitivity when transiently expressed in cell culture (PMID: 33476590). This variant has been detected in two of three members of a family affected with breast cancer (PMID: 33476590). This variant has been identified in 1/251190 chromosomes in the general population by the Genome Aggregation Database (gnomAD). The available evidence is insufficient to determine the role of this variant in disease conclusively. Therefore, this variant is classified as a Variant of Uncertain Significance.

Ambry Genetics
Classification: Uncertain significance for Hereditary cancer-predisposing syndrome. Last evaluated: 2023-04-26. Review status: criteria provided, single submitter. Criteria: Ambry Variant Classification Scheme 2023. Collection method: clinical testing. Allele origin: germline.
Comment: The p.P706L variant (also known as c.2117C>T), located in coding exon 9 of the BRCA1 gene, results from a C to T substitution at nucleotide position 2117. The proline at codon 706 is replaced by leucine, an amino acid with similar properties. This alteration was identified in an individual diagnosed with breast cancer (Liu PF et al. Clin Chim Acta, 2021 May;516:55-63). This amino acid position is not well conserved in available vertebrate species. In addition, the in silico prediction for this alteration is inconclusive. Since supporting evidence is limited at this time, the clinical significance of this alteration remains unclear.

University of Washington Department of Laboratory Medicine, University of Washington
Classification: Likely benign for Hereditary cancer-predisposing syndrome. Last evaluated: 2023-03-23. Review status: criteria provided, single submitter. Criteria: Dines et al. (Genet Med. 2020). Collection method: curation. Allele origin: germline.
Comment: Missense variant in a coldspot region where missense variants are very unlikely to be pathogenic (PMID:31911673).

BRCA1 coldspot (exon 11 using historical exon numbering). Reclassification based on statistical prior probability

GeneDx
Classification: Uncertain significance. Last evaluated: 2020-08-14. Review status: criteria provided, single submitter. Criteria: GeneDx Variant Classification Process June 2021. Collection method: clinical testing. Allele origin: germline. Affected: yes.
Comment: Not observed at a significant frequency in large population cohorts (Lek 2016); In silico analysis supports that this missense variant has a deleterious effect on protein structure/function; Has not been previously published as pathogenic or benign to our knowledge

Literature cited by the submitters: PubMed 33476590 (cited by 4 submitters).

NM_007294.4(BRCA1):c.2117C>T (p.Pro706Leu)

Gene: BRCA1 (BRCA1 DNA repair associated; minus strand). Cytogenetic location: 17q21.31.
Variant type: single nucleotide variant.
Coding change: c.2117C>T on transcript NM_007294.4 (MANE Select); coding-DNA position 2117, C replaced by T.
Protein change: p.Pro706Leu; replaces proline 706 with leucine.
Molecular consequence: missense variant. On other transcripts: intron variant (137).
Genome position (GRCh38, 1-based): chr17:43,093,414, G>A on the plus strand (C>T on the coding strand, the complement: BRCA1 is on the minus strand). VCF-style: chr17-43093414-G-A. GRCh37 (hg19) VCF-style: chr17-41245431-G-A.
Other names: c.1853C>T, p.Pro618Leu (NM_001407920.1, NM_001407921.1, NM_001407922.1 and 9 more transcripts); c.1994C>T, p.Pro665Leu (NM_001407674.1, NM_001407675.1, NM_001407676.1 and 19 more transcripts); c.2117C>T, p.Pro706Leu (NM_001407684.1, NM_001407854.1, NM_001407858.1 and 30 more transcripts); c.1991C>T, p.Pro664Leu (NM_001407685.1, NM_001407686.1, NM_001407687.1 and 11 more transcripts); c.1976C>T, p.Pro659Leu (NM_001407692.1, NM_001407694.1, NM_001407695.1 and 29 more transcripts); c.1973C>T, p.Pro658Leu (NM_001407740.1, NM_001407741.1, NM_001407742.1 and 20 more transcripts); c.1904C>T, p.Pro635Leu (NM_001407853.1, NM_001407894.1, NM_001407895.1 and 9 more transcripts); c.2114C>T, p.Pro705Leu (NM_001407860.1, NM_001407861.1, NM_001407587.1 and 22 more transcripts); and 41 more; short protein forms P706L, P659L, P594L, P664L, P636L, P665L, P680L, P705L.
Identifiers: ClinVar variation 628627 (VCV000628627.22), dbSNP rs759655692, ClinGen allele CA058811.
Genomic context (GRCh38, chr17:43,093,414, plus strand): 5'-AGGCTAGGATTGACAAATTCTTTAAGTTCACTGGTATTTGAACACTTAGTAAAAGAACCA[G>A]GTGCATTTGTTAACTTCAGCTCTGGGAAAGTATCGCTGTCATGTCTTTTACTTGTCTGTT-3'
Protein context (NP_009225.1, residues 696-716): TFPELKLTNA[Pro706Leu]GSFTKCSNTS